The following is an entry in ClinVar:

ClinVar aggregate classification (germline): Benign/Likely benign. Review status: criteria provided, multiple submitters, no conflicts (2 of 4 stars). 3 submissions from 3 submitters: Benign (1); Likely benign (2). Last evaluated 2025-06-12.

Allele frequency attached by ClinVar (database versions not stated): gnomAD exomes 0.00001; ExAC 0.00005; ESP Exome Variant Server 0.00009; gnomAD 0.00018; TOPMed 0.00026; 1000 Genomes Project 0.00053; 1000 Genomes Project 30x 0.00062.
gnomAD v4.1: 34 of 1,128,614 alleles (0.003%); highest among the groups gnomAD compares: African/African-American, 0.05%; no homozygotes.

Submissions (3):

Labcorp Genetics (formerly Invitae), Labcorp
Classification: Benign. Last evaluated: 2025-06-12. Review status: criteria provided, single submitter. Criteria: Invitae Variant Classification Sherloc (09022015). Collection method: clinical testing. Allele origin: germline.

Women's Health and Genetics/Laboratory Corporation of America, LabCorp
Classification: Likely benign. Last evaluated: 2024-10-14. Review status: criteria provided, single submitter. Criteria: LabCorp Variant Classification Summary - May 2015. Collection method: clinical testing. Allele origin: germline.
Comment: Variant summary: COL4A5 c.546+15A>T alters a non-conserved nucleotide located at a position not widely known to affect splicing. Consensus agreement among computation tools predict no significant impact on normal splicing. However, these predictions have yet to be confirmed by functional studies. The variant allele was found at a frequency of 3.8e-05 in 182796 control chromosomes, predominantly at a frequency of 0.0003 within the African or African-American subpopulation in the gnomAD database. The available data on variant occurrences in the general population are insufficient to allow any conclusion about variant significance. c.546+15A>T has been reported in the literature in the heterozyogus state in an unaffected parent (Al-Hamed_2016). These report(s) do not provide unequivocal conclusions about association of the variant with Alport Syndrome 1, X-Linked Recessive. To our knowledge, no experimental evidence demonstrating an impact on protein function has been reported. The following publication have been ascertained in the context of this evaluation (PMID: 26862157). ClinVar contains an entry for this variant (Variation ID: 2712610). Based on the evidence outlined above, the variant was classified as likely benign.

Blueprint Genetics
Classification: Likely benign. Last evaluated: 2022-08-31. Review status: criteria provided, single submitter. Criteria: ACMG Guidelines, 2015. Collection method: clinical testing. Allele origin: germline.

Literature cited by the submitters: PubMed 26862157 (cited by Women's Health and Genetics/Laboratory Corporation of America, LabCorp).

NM_033380.3(COL4A5):c.546+15A>T

Gene: COL4A5 (collagen type IV alpha 5 chain; plus strand). Cytogenetic location: Xq22.3.
Variant type: single nucleotide variant.
Coding change: c.546+15A>T on transcript NM_033380.3 (MANE Select); 15 bases into the intron after coding-DNA position 546, A replaced by T.
Molecular consequence: intron variant.
Genome position (GRCh38, 1-based): chrX:108,573,669, A>T. VCF-style: chrX-108573669-A-T. GRCh37 (hg19) VCF-style: chrX-107816899-A-T.
Other names: c.546+15A>T (NM_000495.5).
Identifiers: ClinVar variation 2712610 (VCV002712610.5), dbSNP rs201859878, ClinGen allele CA10488483.